The following is an entry in ClinVar:

ClinVar aggregate classification (germline): Uncertain significance. Review status: criteria provided, multiple submitters, no conflicts (2 of 4 stars). 2 submissions from 2 submitters: Uncertain significance (2). Last evaluated 2024-08-24.

Conditions:
Intellectual developmental disorder, X-linked 1. Also called: Atkin Flaitz Patil Smith syndrome; Intellectual disability, X-linked 1; MENTAL RETARDATION, X-LINKED 18; MENTAL RETARDATION, X-LINKED 78. Identifiers: Orphanet 777, MedGen C2931498, MONDO:0010656, OMIM 309530.

Allele frequency attached by ClinVar (database versions not stated): gnomAD exomes below 0.00001; TOPMed below 0.00001.

Submissions (2):

GeneDx
Classification: Uncertain significance. Last evaluated: 2024-08-24. Review status: criteria provided, single submitter. Criteria: GeneDx Variant Classification Process June 2021. Collection method: clinical testing. Allele origin: germline. Affected: yes.
Comment: Has not been previously published as pathogenic or benign to our knowledge; Not observed in large population cohorts (gnomAD); In silico analysis supports that this missense variant does not alter protein structure/function

Labcorp Genetics (formerly Invitae), Labcorp
Classification: Uncertain significance for Intellectual developmental disorder, X-linked 1. Last evaluated: 2022-05-16. Review status: criteria provided, single submitter. Criteria: Invitae Variant Classification Sherloc (09022015). Collection method: clinical testing. Allele origin: germline.
Comment: Algorithms developed to predict the effect of missense changes on protein structure and function are either unavailable or do not agree on the potential impact of this missense change (SIFT: "Tolerated"; PolyPhen-2: "Probably Damaging"; Align-GVGD: "Class C0"). In summary, the available evidence is currently insufficient to determine the role of this variant in disease. Therefore, it has been classified as a Variant of Uncertain Significance. This variant has not been reported in the literature in individuals affected with IQSEC2-related conditions. This variant is not present in population databases (gnomAD no frequency). This sequence change replaces arginine, which is basic and polar, with tryptophan, which is neutral and slightly polar, at codon 422 of the IQSEC2 protein (p.Arg422Trp).

NM_001111125.3(IQSEC2):c.1264C>T (p.Arg422Trp)

Gene: IQSEC2 (IQ motif and Sec7 domain ArfGEF 2; minus strand). Cytogenetic location: Xp11.22.
Variant type: single nucleotide variant.
Coding change: c.1264C>T on transcript NM_001111125.3 (MANE Select); coding-DNA position 1264, C replaced by T.
Protein change: p.Arg422Trp; replaces arginine 422 with tryptophan.
Molecular consequence: missense variant.
Genome position (GRCh38, 1-based): chrX:53,254,667, G>A on the plus strand (C>T on the coding strand, the complement: IQSEC2 is on the minus strand). VCF-style: chrX-53254667-G-A. GRCh37 (hg19) VCF-style: chrX-53283849-G-A.
Other names: c.1264C>T, p.Arg422Trp (NM_001410736.1); c.649C>T, p.Arg217Trp (NM_015075.2); c.1264C>T (NM_001111125.1); short protein forms R422W, R217W.
Identifiers: ClinVar variation 2177814 (VCV002177814.5), dbSNP rs1412679309, ClinGen allele CA413169282.